The following is an entry in ClinVar:

NM_000264.5(PTCH1):c.2699G>A (p.Ser900Asn)

Gene: PTCH1 (patched 1; minus strand). Cytogenetic location: 9q22.32.
Variant type: single nucleotide variant.
Coding change: c.2699G>A on transcript NM_000264.5 (MANE Select); coding-DNA position 2699, G replaced by A.
Protein change: p.Ser900Asn; replaces serine 900 with asparagine.
Molecular consequence: missense variant. On other transcripts: non-coding transcript variant (1).
Genome position (GRCh38, 1-based): chr9:95,461,860, C>T on the plus strand (G>A on the coding strand, the complement: PTCH1 is on the minus strand). VCF-style: chr9-95461860-C-T. GRCh37 (hg19) VCF-style: chr9-98224142-C-T.
Other names: c.2501G>A, p.Ser834Asn (NM_001083602.3); c.2696G>A, p.Ser899Asn (NM_001083603.3); c.2246G>A, p.Ser749Asn (NM_001083604.3, NM_001083605.3, NM_001083606.3 and 1 more transcripts); c.2543G>A, p.Ser848Asn (NM_001354918.2); c.2699G>A (NM_000264.3); short protein forms S848N, S749N, S834N, S900N, S899N.
Identifiers: ClinVar variation 1393455 (VCV001393455.8), dbSNP rs762152128, ClinGen allele CA5138352.
Genomic context (GRCh38, chr9:95,461,860, plus strand): 5'-CAGGGCAGCGGCCCCGCAGCCCTGGAAGCGCCCTCAGTGCCCAGCAGCTGGAGTACCTGG[C>T]TGATGTCGATGGGCTTATCGCGGCTGCCGGTTTGCACCAGGAGTTTGTAGGCAAGGACTC-3'
Protein context (NP_000255.2, residues 890-910): TGSRDKPIDI[Ser900Asn]QLTKQRLVDA

ClinVar aggregate classification (germline): Conflicting classifications of pathogenicity. Review status: criteria provided, conflicting classifications (1 of 4 stars). 2 submissions from 2 submitters: Uncertain significance (1); Likely benign (1). Last evaluated 2025-07-14.

Conditions:
Hereditary cancer-predisposing syndrome. Also called: Hereditary neoplastic syndrome; Neoplastic Syndromes, Hereditary; Hereditary Cancer Syndrome; Tumor predisposition. Identifiers: Orphanet 140162, MedGen C0027672, MeSH D009386, MONDO:0015356.
Gorlin syndrome. Also called: Nevoid Basal Cell Carcinoma Syndrome; Basal cell nevus syndrome. Identifiers: Orphanet 377, MedGen C0004779, MONDO:0007187.

Allele frequency attached by ClinVar (database versions not stated): ExAC 0.00001; gnomAD exomes 0.00001.
gnomAD v4.1: 5 of 1,614,206 alleles (0.00031%); highest among the groups gnomAD compares: Non-Finnish European, 0.00034%; no homozygotes.

Submissions (2):

Ambry Genetics
Classification: Uncertain significance for Hereditary cancer-predisposing syndrome. Last evaluated: 2025-07-14. Review status: criteria provided, single submitter. Criteria: Ambry Variant Classification Scheme 2023. Collection method: clinical testing. Allele origin: germline.
Comment: The p.S900N variant (also known as c.2699G>A), located in coding exon 16 of the PTCH1 gene, results from a G to A substitution at nucleotide position 2699. The serine at codon 900 is replaced by asparagine, an amino acid with highly similar properties. This amino acid position is conserved. In addition, this alteration is predicted to be tolerated by in silico analysis. Since supporting evidence is limited at this time, the clinical significance of this alteration remains unclear.

Labcorp Genetics (formerly Invitae), Labcorp
Classification: Likely benign for Gorlin syndrome. Last evaluated: 2024-04-22. Review status: criteria provided, single submitter. Criteria: Invitae Variant Classification Sherloc (09022015). Collection method: clinical testing. Allele origin: germline.